The following is an entry in ClinVar:

NM_001077365.2(POMT1):c.1109C>T (p.Pro370Leu)

Gene: POMT1 (protein O-mannosyltransferase 1; plus strand). Cytogenetic location: 9q34.13.
Variant type: single nucleotide variant.
Coding change: c.1109C>T on transcript NM_001077365.2 (MANE Select); coding-DNA position 1109, C replaced by T.
Protein change: p.Pro370Leu; replaces proline 370 with leucine.
Molecular consequence: missense variant. On other transcripts: non-coding transcript variant (10), intron variant (1).
Genome position (GRCh38, 1-based): chr9:131,513,265, C>T. VCF-style: chr9-131513265-C-T. GRCh37 (hg19) VCF-style: chr9-134388652-C-T.
Other names: c.947C>T, p.Pro316Leu (NM_001077366.2, NM_001353194.2); c.1109C>T, p.Pro370Leu (NM_001136113.2, NM_001374690.1); c.758C>T, p.Pro253Leu (NM_001136114.2, NM_001353195.2, NM_001374691.1 and 1 more transcripts); c.1175C>T, p.Pro392Leu (NM_001353193.2, NM_007171.4); c.1019C>T, p.Pro340Leu (NM_001353196.2); c.1013C>T, p.Pro338Leu (NM_001353197.2, NM_001353198.2); c.824C>T, p.Pro275Leu (NM_001353199.2); c.653C>T, p.Pro218Leu (NM_001353200.2); and 3 more; short protein forms P253L, P316L, P218L, P240L, P275L, P338L, P340L, P392L.
Identifiers: ClinVar variation 850017 (VCV000850017.10), dbSNP rs376258733, ClinGen allele CA5293539.
Genomic context (GRCh38, chr9:131,513,265, plus strand): 5'-CTCTGTGTGGTCCCGACAGCACTGTGTCTTCCAGGCACCAGCTGGTGGTGAGCAGCCCTC[C>T]GAGACCTGTGAGGCACGGGGACATGGTGCAGCTGGTCCACGGCATGACCACCCGCTCCCT-3'
Protein context (NP_001070833.1, residues 360-380): RRHQLVVSSP[Pro370Leu]RPVRHGDMVQ

ClinVar aggregate classification (germline): Uncertain significance. Review status: criteria provided, multiple submitters, no conflicts (2 of 4 stars). 2 submissions from 2 submitters: Uncertain significance (2). Last evaluated 2022-08-15.

Conditions:
Walker-Warburg congenital muscular dystrophy. Also called: Muscular dystrophy-dystroglycanopathy, type A; Walker-Warburg syndrome. Identifiers: Orphanet 899, MedGen C0265221, MONDO:0000171.
Autosomal recessive limb-girdle muscular dystrophy type 2K. Also called: MUSCULAR DYSTROPHY, LIMB-GIRDLE, TYPE 2K; MUSCULAR DYSTROPHY-DYSTROGLYCANOPATHY (LIMB-GIRDLE), TYPE C, 1. Identifiers: Orphanet 86812, MedGen C1836373, MONDO:0012248, OMIM 609308.
Muscular dystrophy-dystroglycanopathy (congenital with impaired intellectual development), type B, 1. Also called: MUSCULAR DYSTROPHY, CONGENITAL, POMT1-RELATED; Muscular dystrophy-dystroglycanopathy (congenital with intellectual disability), type B1. Identifiers: MedGen C5436962, MONDO:0013159, OMIM 613155.

Allele frequency attached by ClinVar (database versions not stated): gnomAD exomes 0.00002 and 0.00001; ESP Exome Variant Server 0.00008; gnomAD 0.00002; TOPMed 0.00003; ExAC 0.00002.
gnomAD v4.1: 11 of 1,612,974 alleles (0.00068%); highest among the groups gnomAD compares: African/African-American, 0.004%; no homozygotes.

Submissions (2):

Labcorp Genetics (formerly Invitae), Labcorp
Classification: Uncertain significance for Muscular dystrophy-dystroglycanopathy (congenital with impaired intellectual development), type B, 1; Walker-Warburg congenital muscular dystrophy; Autosomal recessive limb-girdle muscular dystrophy type 2K. Last evaluated: 2022-08-15. Review status: criteria provided, single submitter. Criteria: Invitae Variant Classification Sherloc (09022015). Collection method: clinical testing. Allele origin: germline.
Comment: This sequence change replaces proline, which is neutral and non-polar, with leucine, which is neutral and non-polar, at codon 392 of the POMT1 protein (p.Pro392Leu). The frequency data for this variant in the population databases is considered unreliable, as metrics indicate poor data quality at this position in the gnomAD database. This variant has not been reported in the literature in individuals affected with POMT1-related conditions. ClinVar contains an entry for this variant (Variation ID: 850017). Algorithms developed to predict the effect of missense changes on protein structure and function output the following: SIFT: "Tolerated"; PolyPhen-2: "Benign"; Align-GVGD: "Class C0". The leucine amino acid residue is found in multiple mammalian species, which suggests that this missense change does not adversely affect protein function. In summary, the available evidence is currently insufficient to determine the role of this variant in disease. Therefore, it has been classified as a Variant of Uncertain Significance.

GeneDx
Classification: Uncertain significance. Last evaluated: 2019-11-05. Review status: criteria provided, single submitter. Criteria: GeneDx Variant Classification Process June 2021. Collection method: clinical testing. Allele origin: germline. Affected: yes.
Comment: Not observed at a significant frequency in large population cohorts (Lek et al., 2016); In silico analysis, which includes protein predictors and evolutionary conservation, supports a deleterious effect; Has not been previously published as pathogenic or benign to our knowledge